The following is an entry in ClinVar:

ClinVar aggregate classification (germline): Uncertain significance. Review status: criteria provided, multiple submitters, no conflicts (2 of 4 stars). 2 submissions from 2 submitters: Uncertain significance (2). Last evaluated 2026-03-11.

Conditions:
Cardiovascular phenotype. Identifiers: MedGen CN230736.

Allele frequency attached by ClinVar (database versions not stated): gnomAD exomes below 0.00001.
gnomAD v4.1: 1 of 1,613,658 alleles (0.000062%); highest among the groups gnomAD compares: Non-Finnish European, 0.000085%; no homozygotes.

Submissions (2):

Ambry Genetics
Classification: Uncertain significance for Cardiovascular phenotype. Last evaluated: 2026-03-11. Review status: criteria provided, single submitter. Criteria: Ambry Variant Classification Scheme 2023. Collection method: clinical testing. Allele origin: germline.
Comment: The p.K205T variant (also known as c.614A>C), located in coding exon 4 of the TBX20 gene, results from an A to C substitution at nucleotide position 614. The lysine at codon 205 is replaced by threonine, an amino acid with similar properties. This amino acid position is conserved. In addition, this alteration is predicted to be deleterious by in silico analysis. Based on the available evidence, the clinical significance of this variant remains unclear.

Labcorp Genetics (formerly Invitae), Labcorp
Classification: Uncertain significance. Last evaluated: 2024-12-04. Review status: criteria provided, single submitter. Criteria: Invitae Variant Classification Sherloc (09022015). Collection method: clinical testing. Allele origin: germline.
Comment: This sequence change replaces lysine, which is basic and polar, with threonine, which is neutral and polar, at codon 205 of the TBX20 protein (p.Lys205Thr). This variant is not present in population databases (gnomAD no frequency). This variant has not been reported in the literature in individuals affected with TBX20-related conditions. ClinVar contains an entry for this variant (Variation ID: 2094431). Invitae Evidence Modeling of protein sequence and biophysical properties (such as structural, functional, and spatial information, amino acid conservation, physicochemical variation, residue mobility, and thermodynamic stability) indicates that this missense variant is expected to disrupt TBX20 protein function with a positive predictive value of 80%. In summary, the available evidence is currently insufficient to determine the role of this variant in disease. Therefore, it has been classified as a Variant of Uncertain Significance.

NM_001077653.2(TBX20):c.614A>C (p.Lys205Thr)

Gene: TBX20 (T-box transcription factor 20; minus strand). Cytogenetic location: 7p14.2.
Variant type: single nucleotide variant.
Coding change: c.614A>C on transcript NM_001077653.2 (MANE Select); coding-DNA position 614, A replaced by C.
Protein change: p.Lys205Thr; replaces lysine 205 with threonine.
Molecular consequence: missense variant.
Genome position (GRCh38, 1-based): chr7:35,244,989, T>G on the plus strand (A>C on the coding strand, the complement: TBX20 is on the minus strand). VCF-style: chr7-35244989-T-G. GRCh37 (hg19) VCF-style: chr7-35284601-T-G.
Other names: c.614A>C, p.Lys205Thr (NM_001166220.1); short protein forms K205T.
Identifiers: ClinVar variation 2094431 (VCV002094431.5), dbSNP rs2546994708, ClinGen allele CA367264353.